The following is an entry in ClinVar:

ClinVar aggregate classification (germline): Uncertain significance (1 of 4 stars; one submission).

Conditions:
Fanconi anemia (FA). Also called: Fanconi's anemia. Identifiers: Orphanet 84, MedGen C0015625, MeSH D005199, MONDO:0019391.

Submission:

Labcorp Genetics (formerly Invitae), Labcorp
Classification: Uncertain significance for Fanconi anemia. Last evaluated: 2022-06-23. Review status: criteria provided, single submitter. Criteria: Invitae Variant Classification Sherloc (09022015). Collection method: clinical testing. Allele origin: germline.
Comment: This variant is not present in population databases (gnomAD no frequency). This sequence change replaces glutamine, which is neutral and polar, with histidine, which is basic and polar, at codon 958 of the FANCI protein (p.Gln958His). In summary, the available evidence is currently insufficient to determine the role of this variant in disease. Therefore, it has been classified as a Variant of Uncertain Significance. Algorithms developed to predict the effect of missense changes on protein structure and function (SIFT, PolyPhen-2, Align-GVGD) all suggest that this variant is likely to be tolerated. This variant has not been reported in the literature in individuals affected with FANCI-related conditions.

NM_001113378.2(FANCI):c.2874G>C (p.Gln958His)

Gene: FANCI (FA complementation group I; plus strand). Cytogenetic location: 15q26.1.
Variant type: single nucleotide variant.
Coding change: c.2874G>C on transcript NM_001113378.2 (MANE Select); coding-DNA position 2874, G replaced by C.
Protein change: p.Gln958His; replaces glutamine 958 with histidine.
Molecular consequence: missense variant.
Genome position (GRCh38, 1-based): chr15:89,300,370, G>C. VCF-style: chr15-89300370-G-C. GRCh37 (hg19) VCF-style: chr15-89843601-G-C.
Other names: c.2595G>C, p.Gln865His (NM_001376910.1); c.2874G>C, p.Gln958His (NM_001376911.1); c.2694G>C, p.Gln898His (NM_018193.3); short protein forms Q865H, Q958H, Q898H.
Identifiers: ClinVar variation 1947517 (VCV001947517.5), dbSNP rs2507880525, ClinGen allele CA393737513.